The following is an entry in ClinVar:

NM_006231.4(POLE):c.5123T>G (p.Phe1708Cys)

Gene: POLE (DNA polymerase epsilon, catalytic subunit; minus strand). Cytogenetic location: 12q24.33.
Variant type: single nucleotide variant.
Coding change: c.5123T>G on transcript NM_006231.4 (MANE Select); coding-DNA position 5123, T replaced by G.
Protein change: p.Phe1708Cys; replaces phenylalanine 1708 with cysteine.
Molecular consequence: missense variant.
Genome position (GRCh38, 1-based): chr12:132,642,227, A>C on the plus strand (T>G on the coding strand, the complement: POLE is on the minus strand). VCF-style: chr12-132642227-A-C. GRCh37 (hg19) VCF-style: chr12-133218813-A-C.
Other names: short protein forms F1708C.
Identifiers: ClinVar variation 5027133 (VCV005027133.1).

ClinVar aggregate classification (germline): Uncertain significance (1 of 4 stars; one submission).

Conditions:
Hereditary cancer-predisposing syndrome. Also called: Neoplastic Syndromes, Hereditary; Tumor predisposition; Hereditary neoplastic syndrome; Hereditary Cancer Syndrome. Identifiers: Orphanet 140162, MedGen C0027672, MeSH D009386, MONDO:0015356.

Submission:

Ambry Genetics
Classification: Uncertain significance for Hereditary cancer-predisposing syndrome. Last evaluated: 2026-09-04. Review status: criteria provided, single submitter. Criteria: Ambry Variant Classification Scheme 2023. Collection method: clinical testing. Allele origin: germline.
Comment: The p.F1708C variant (also known as c.5123T>G), located in coding exon 38 of the POLE gene, results from a T to G substitution at nucleotide position 5123. The phenylalanine at codon 1708 is replaced by cysteine, an amino acid with highly dissimilar properties. This amino acid position is conserved. In addition, this alteration is predicted to be tolerated by in silico analysis. Based on the available evidence, the clinical significance of this variant remains unclear.